The following is an entry in ClinVar:

ClinVar aggregate classification (germline): Uncertain significance (1 of 4 stars; one submission).

Allele frequency attached by ClinVar (database versions not stated): TOPMed below 0.00001.

Submission:

Mayo Clinic Laboratories, Mayo Clinic
Classification: Uncertain significance. Last evaluated: 2022-01-12. Review status: criteria provided, single submitter. Criteria: ACMG Guidelines, 2015. Collection method: clinical testing. Allele origin: germline. Observed: 1 variant allele.
Comment: PM2

NM_001365999.1(SZT2):c.6121G>A (p.Val2041Met)

Gene: SZT2 (SZT2 subunit of KICSTOR complex; plus strand). Cytogenetic location: 1p34.2.
Variant type: single nucleotide variant.
Coding change: c.6121G>A on transcript NM_001365999.1 (MANE Select); coding-DNA position 6121, G replaced by A.
Protein change: p.Val2041Met; replaces valine 2041 with methionine.
Molecular consequence: missense variant.
Genome position (GRCh38, 1-based): chr1:43,437,257, G>A. VCF-style: chr1-43437257-G-A. GRCh37 (hg19) VCF-style: chr1-43902928-G-A.
Other names: p.Val1984Met; c.5950G>A, p.Val1984Met (NM_015284.4); short protein forms V1984M, V2041M.
Identifiers: ClinVar variation 2683712 (VCV002683712.1), dbSNP rs1557581651, ClinGen allele CA340028379.